The following is an entry in ClinVar:

ClinVar aggregate classification (germline): Conflicting classifications of pathogenicity. Review status: criteria provided, conflicting classifications (1 of 4 stars). 2 submissions from 2 submitters: Uncertain significance (1); Likely benign (1). Last evaluated 2023-11-29.

Conditions:
Inborn genetic diseases. Identifiers: MedGen C0950123, MeSH D030342.

Allele frequency attached by ClinVar (database versions not stated): 1000 Genomes Project 30x 0.00016; ExAC 0.00069; TOPMed 0.00077; gnomAD 0.00087; ESP Exome Variant Server 0.00115.
gnomAD v4.1: 2,162 of 1,614,038 alleles (0.13%); highest among the groups gnomAD compares: Non-Finnish European, 0.17%; 1 homozygote.

Submissions (2):

Ambry Genetics
Classification: Uncertain significance for Inborn genetic diseases. Last evaluated: 2023-11-29. Review status: criteria provided, single submitter. Criteria: Ambry Variant Classification Scheme 2023. Collection method: clinical testing. Allele origin: germline.

CeGaT Center for Human Genetics Tuebingen
Classification: Likely benign. Last evaluated: 2023-11-01. Review status: criteria provided, single submitter. Criteria: CeGaT Center For Human Genetics Tuebingen Variant Classification Criteria Version 2. Collection method: clinical testing. Allele origin: germline. Affected: yes. Observed: 1 variant allele.
Comment: ADAMTS3: BP4

NM_014243.3(ADAMTS3):c.3289C>T (p.Pro1097Ser)

Gene: ADAMTS3 (ADAM metallopeptidase with thrombospondin type 1 motif 3; minus strand). Cytogenetic location: 4q13.3.
Variant type: single nucleotide variant.
Coding change: c.3289C>T on transcript NM_014243.3 (MANE Select); coding-DNA position 3289, C replaced by T.
Protein change: p.Pro1097Ser; replaces proline 1097 with serine.
Molecular consequence: missense variant.
Genome position (GRCh38, 1-based): chr4:72,283,465, G>A on the plus strand (C>T on the coding strand, the complement: ADAMTS3 is on the minus strand). VCF-style: chr4-72283465-G-A. GRCh37 (hg19) VCF-style: chr4-73149182-G-A.
Other names: short protein forms P1097S.
Identifiers: ClinVar variation 2349413 (VCV002349413.25), dbSNP rs142937879, ClinGen allele CA2956386.